The following is an entry in ClinVar:

ClinVar aggregate classification (germline): Pathogenic. Review status: criteria provided, multiple submitters, no conflicts (2 of 4 stars). 2 submissions from 2 submitters: Pathogenic (2). Last evaluated 2024-06-20.

Conditions:
VPS13A-related neurodegenerative disease. Also called: LEVINE-CRITCHLEY SYNDROME; Choreoacanthocytosis; ACANTHOCYTOSIS WITH NEUROLOGIC DISORDER; Chorea-acanthocytosis; Choreaacanthocytosis; VPS13A Disease. Identifiers: Orphanet 2388, MedGen C0393576, MONDO:0008695, OMIM 200150.

Submissions (2):

Myriad Genetics, Inc.
Classification: Pathogenic for VPS13A-related neurodegenerative disease. Last evaluated: 2024-06-20. Review status: criteria provided, single submitter. Criteria: Myriad Autosomal Dominant, Autosomal Recessive and X-Linked Classification Criteria (2023). Collection method: clinical testing. Allele origin: unknown.
Comment: NM_033305.2(VPS13A):c.6284C>G(S2095*) is expected to be pathogenic in the context of VPS13A disease. This variant is predicted to lead to an abnormal or absent protein product due to the creation of a premature termination codon in VPS13A, a gene where loss-of-function variants are known to be pathogenic. Please note: this variant was assessed in the context of healthy population screening.

Labcorp Genetics (formerly Invitae), Labcorp
Classification: Pathogenic. Last evaluated: 2024-02-19. Review status: criteria provided, single submitter. Criteria: Invitae Variant Classification Sherloc (09022015). Collection method: clinical testing. Allele origin: germline.
Comment: This sequence change creates a premature translational stop signal (p.Ser2095*) in the VPS13A gene. It is expected to result in an absent or disrupted protein product. Loss-of-function variants in VPS13A are known to be pathogenic (PMID: 12404112, 21598378). This variant is not present in population databases (gnomAD no frequency). This variant has not been reported in the literature in individuals affected with VPS13A-related conditions. Algorithms developed to predict the effect of sequence changes on RNA splicing suggest that this variant may disrupt the consensus splice site. For these reasons, this variant has been classified as Pathogenic.

Literature cited by the submitters: PubMed 12404112 (cited by Labcorp Genetics (formerly Invitae), Labcorp); PubMed 21598378 (cited by Labcorp Genetics (formerly Invitae), Labcorp).

NM_033305.3(VPS13A):c.6284C>G (p.Ser2095Ter)

Gene: VPS13A (vacuolar protein sorting 13 homolog A; plus strand). Cytogenetic location: 9q21.2.
Variant type: single nucleotide variant.
Coding change: c.6284C>G on transcript NM_033305.3 (MANE Select); coding-DNA position 6284, C replaced by G.
Protein change: p.Ser2095Ter; replaces serine 2095 with a stop codon.
Molecular consequence: nonsense.
Genome position (GRCh38, 1-based): chr9:77,337,443, C>G. VCF-style: chr9-77337443-C-G. GRCh37 (hg19) VCF-style: chr9-79952359-C-G.
Other names: c.6167C>G, p.Ser2056Ter (NM_001018037.2); c.6284C>G, p.Ser2095Ter (NM_001018038.3, NM_015186.4); short protein forms S2056*, S2095*.
Identifiers: ClinVar variation 2837578 (VCV002837578.4), dbSNP rs868642158, ClinGen allele CA373848506.
Genomic context (GRCh38, chr9:77,337,443, plus strand): 5'-AATCATTTCTCATTAATATTGTTCCAGAAAAAGATAATTTAACATCTCTATCAGTGTATT[C>G]AGAAGATGGTTGGGATTTACCATACATAATGCATTTGTGGCCACCTATCCTGCTCCGAAA-3'